The following is an entry in ClinVar:

ClinVar aggregate classification (germline): Uncertain significance. Review status: criteria provided, multiple submitters, no conflicts (2 of 4 stars). 4 submissions from 4 submitters: Uncertain significance (4). Last evaluated 2025-09-15.

Conditions:
JPH2-related disorder. Also called: JPH2-related condition.
Cardiovascular phenotype. Identifiers: MedGen CN230736.
Hypertrophic cardiomyopathy. Also called: HYPERTROPHIC MYOCARDIOPATHY. Identifiers: Orphanet 217569, MedGen C0007194, MeSH D002312, MONDO:0005045, HP:0001639.

Allele frequency attached by ClinVar (database versions not stated): gnomAD 0.00001 and 0.00002; gnomAD exomes 0.00001 and 0.00002; ExAC 0.00002; TOPMed 0.00002; 1000 Genomes Project 30x 0.00016; 1000 Genomes Project 0.00020.
gnomAD v4.1: 17 of 1,613,312 alleles (0.0011%); highest among the groups gnomAD compares: African/African-American, 0.021%; no homozygotes.

Submissions (4):

PreventionGenetics, part of Exact Sciences
Classification: Uncertain significance for JPH2-related condition. Last evaluated: 2025-09-15. Review status: criteria provided, single submitter. Criteria: ACMG Guidelines, 2015. Collection method: clinical testing. Allele origin: germline.
Comment: The JPH2 c.1240A>G variant is predicted to result in the amino acid substitution p.Ile414Val. To our knowledge, this variant has not been reported in the literature. This variant is reported in 0.025% of alleles in individuals of African descent in gnomAD. At this time, the clinical significance of this variant is uncertain due to the absence of conclusive functional and genetic evidence.

Labcorp Genetics (formerly Invitae), Labcorp
Classification: Uncertain significance for Hypertrophic cardiomyopathy. Last evaluated: 2025-04-10. Review status: criteria provided, single submitter. Criteria: Invitae Variant Classification Sherloc (09022015). Collection method: clinical testing. Allele origin: germline.
Comment: This sequence change replaces isoleucine, which is neutral and non-polar, with valine, which is neutral and non-polar, at codon 414 of the JPH2 protein (p.Ile414Val). This variant is present in population databases (rs537544755, gnomAD 0.03%). This variant has not been reported in the literature in individuals affected with JPH2-related conditions. ClinVar contains an entry for this variant (Variation ID: 1207016). An algorithm developed to predict the effect of missense changes on protein structure and function outputs the following: PolyPhen-2: "Benign". The valine amino acid residue is found in multiple mammalian species, which suggests that this missense change does not adversely affect protein function. In summary, the available evidence is currently insufficient to determine the role of this variant in disease. Therefore, it has been classified as a Variant of Uncertain Significance.

GeneDx
Classification: Uncertain significance. Last evaluated: 2023-08-09. Review status: criteria provided, single submitter. Criteria: GeneDx Variant Classification Process June 2021. Collection method: clinical testing. Allele origin: germline. Affected: yes.
Comment: Has not been previously published as pathogenic or benign to our knowledge; Not observed at a significant frequency in large population cohorts (gnomAD); In silico analysis supports that this missense variant does not alter protein structure/function

Ambry Genetics
Classification: Uncertain significance for Cardiovascular phenotype. Last evaluated: 2022-07-14. Review status: criteria provided, single submitter. Criteria: Ambry Variant Classification Scheme 2023. Collection method: clinical testing. Allele origin: germline.
Comment: The p.I414V variant (also known as c.1240A>G), located in coding exon 3 of the JPH2 gene, results from an A to G substitution at nucleotide position 1240. The isoleucine at codon 414 is replaced by valine, an amino acid with highly similar properties. This amino acid position is well conserved in available vertebrate species. In addition, this alteration is predicted to be tolerated by in silico analysis. Since supporting evidence is limited at this time, the clinical significance of this alteration remains unclear.

NM_020433.5(JPH2):c.1240A>G (p.Ile414Val)

Gene: JPH2 (junctophilin 2; minus strand). Cytogenetic location: 20q13.12.
Variant type: single nucleotide variant.
Coding change: c.1240A>G on transcript NM_020433.5 (MANE Select); coding-DNA position 1240, A replaced by G.
Protein change: p.Ile414Val; replaces isoleucine 414 with valine.
Molecular consequence: missense variant.
Genome position (GRCh38, 1-based): chr20:44,118,553, T>C on the plus strand (A>G on the coding strand, the complement: JPH2 is on the minus strand). VCF-style: chr20-44118553-T-C. GRCh37 (hg19) VCF-style: chr20-42747193-T-C.
Other names: short protein forms I414V.
Identifiers: ClinVar variation 1207016 (VCV001207016.13), dbSNP rs537544755, ClinGen allele CA9868694.